The following is an entry in ClinVar:

NM_001378454.1(ALMS1):c.12397A>T (p.Arg4133Ter)

Gene: ALMS1 (ALMS1 centrosome and basal body associated protein; plus strand). Cytogenetic location: 2p13.1.
Variant type: single nucleotide variant.
Coding change: c.12397A>T on transcript NM_001378454.1 (MANE Select); coding-DNA position 12397, A replaced by T.
Protein change: p.Arg4133Ter; replaces arginine 4133 with a stop codon.
Molecular consequence: nonsense.
Genome position (GRCh38, 1-based): chr2:73,608,509, A>T. VCF-style: chr2-73608509-A-T. GRCh37 (hg19) VCF-style: chr2-73835636-A-T.
Other names: c.12400A>T, p.Arg4134Ter (NM_015120.4); short protein forms R4134*, R4133*.
Identifiers: ClinVar variation 2132533 (VCV002132533.4), dbSNP rs2466540845, ClinGen allele CA347274794.

ClinVar aggregate classification (germline): Pathogenic (1 of 4 stars; one submission).

Conditions:
Alstrom syndrome (ALMS). Identifiers: Orphanet 64, MedGen C0268425, MONDO:0008763, OMIM 203800.

Submission:

Labcorp Genetics (formerly Invitae), Labcorp
Classification: Pathogenic for Alstrom syndrome. Last evaluated: 2025-12-01. Review status: criteria provided, single submitter. Criteria: Invitae Variant Classification Sherloc (09022015). Collection method: clinical testing. Allele origin: germline.
Comment: This sequence change creates a premature translational stop signal (p.Arg4134*) in the ALMS1 gene. It is expected to result in an absent or disrupted protein product. Loss-of-function variants in ALMS1 are known to be pathogenic (PMID: 17594715). This variant is not present in population databases (gnomAD no frequency). This variant has not been reported in the literature in individuals affected with ALMS1-related conditions. ClinVar contains an entry for this variant (Variation ID: 2132533). For these reasons, this variant has been classified as Pathogenic.

Literature cited by the submitters: PubMed 17594715.